The following is an entry in ClinVar:

ClinVar aggregate classification (germline): Benign. Review status: criteria provided, multiple submitters, no conflicts (2 of 4 stars). 4 submissions from 2 submitters: Benign (4). Last evaluated 2018-01-13.

Conditions:
Osteogenesis imperfecta (OI). Identifiers: Orphanet 666, MedGen C0029434, MeSH D010013, MONDO:0019019.
Infantile cortical hyperostosis. Also called: P1PK BLOOD GROUP SYSTEM, P(2) PHENOTYPE; Hyperostosis, Cortical, Congenital; Caffey Disease. Identifiers: Orphanet 1310, MedGen C0020497, MONDO:0007244, OMIM 114000.
Ehlers-Danlos syndrome, arthrochalasia type. Also called: ARTHROCHALASIS MULTIPLEX CONGENITA; EDS VII, MUTANT PROCOLLAGEN TYPE; EDS VIIA; Ehlers-Danlos syndrome, arthrochalasia type, 1; Ehlers-Danlos syndrome, arthrochalasis type. Identifiers: Orphanet 1899, Orphanet 99875, Orphanet 99876, MedGen C4551623, MONDO:0007525, OMIM 130060.

Allele frequency attached by ClinVar (database versions not stated): gnomAD 0.00595; 1000 Genomes Project 0.02815; TOPMed 0.00921; gnomAD exomes 0.00984; 1000 Genomes Project 30x 0.02780.

Submissions (4):

Illumina Laboratory Services, Illumina
Classification: Benign for Osteogenesis imperfecta. Last evaluated: 2018-01-13. Review status: criteria provided, single submitter. Criteria: ICSL Variant Classification Criteria 13 December 2019. Collection method: clinical testing. Allele origin: germline.
Comment: This variant was observed in the ICSL laboratory as part of a predisposition screen in an ostensibly healthy population. It had not been previously curated by ICSL or reported in the Human Gene Mutation Database (HGMD: prior to June 1st, 2018), and was therefore a candidate for classification through an automated scoring system. Utilizing variant allele frequency, disease prevalence and penetrance estimates, and inheritance mode, an automated score was calculated to assess if this variant is too frequent to cause the disease. Based on the score and internal cut-off values, a variant classified as benign is not then subjected to further curation. The score for this variant resulted in a classification of benign for this disease.

Illumina Laboratory Services, Illumina
Classification: Benign for Infantile cortical hyperostosis. Last evaluated: 2018-01-13. Review status: criteria provided, single submitter. Criteria: ICSL Variant Classification Criteria 13 December 2019. Collection method: clinical testing. Allele origin: germline.
Comment: the same text as in the submission from Illumina Laboratory Services, Illumina above.

Illumina Laboratory Services, Illumina
Classification: Benign for Ehlers-Danlos syndrome, arthrochalasia type. Last evaluated: 2018-01-13. Review status: criteria provided, single submitter. Criteria: ICSL Variant Classification Criteria 13 December 2019. Collection method: clinical testing. Allele origin: germline.
Comment: the same text as in the submission from Illumina Laboratory Services, Illumina above.

Breakthrough Genomics
Classification: Benign. Review status: criteria provided, single submitter. Criteria: ACMG Guidelines, 2015. Collection method: not provided. Allele origin: germline. Inheritance: Autosomal dominant inheritance. Affected: yes.

NM_000088.4(COL1A1):c.*1175T>G

Gene: COL1A1 (collagen type I alpha 1 chain; minus strand). Cytogenetic location: 17q21.33.
Variant type: single nucleotide variant.
Coding change: c.*1175T>G on transcript NM_000088.4 (MANE Select); 1175 bases downstream of the stop codon, T replaced by G.
Molecular consequence: 3 prime UTR variant.
Genome position (GRCh38, 1-based): chr17:50,184,327, A>C on the plus strand (T>G on the coding strand, the complement: COL1A1 is on the minus strand). VCF-style: chr17-50184327-A-C. GRCh37 (hg19) VCF-style: chr17-48261688-A-C.
Identifiers: ClinVar variation 324058 (VCV000324058.6), dbSNP rs75713851, ClinGen allele CA10646164.